The following is an entry in ClinVar:

NM_021975.4(RELA):c.1653C>T (p.Ser551=)

Gene: RELA (RELA proto-oncogene, NF-kB subunit; minus strand). Cytogenetic location: 11q13.1.
Variant type: single nucleotide variant.
Coding change: c.1653C>T on transcript NM_021975.4 (MANE Select); coding-DNA position 1653, C replaced by T.
Protein change: p.Ser551=; no amino-acid change (serine 551 retained).
Molecular consequence: synonymous variant.
Genome position (GRCh38, 1-based): chr11:65,654,381, G>A on the plus strand (C>T on the coding strand, the complement: RELA is on the minus strand). VCF-style: chr11-65654381-G-A. GRCh37 (hg19) VCF-style: chr11-65421852-G-A.
Other names: c.1644C>T, p.Ser548= (NM_001145138.2); c.1446C>T, p.Ser482= (NM_001243984.2); c.1344C>T, p.Ser448= (NM_001243985.2).
Identifiers: ClinVar variation 730838 (VCV000730838.29), dbSNP rs78599884, ClinGen allele CA6106558.

ClinVar aggregate classification (germline): Benign/Likely benign. Review status: criteria provided, multiple submitters, no conflicts (2 of 4 stars). 5 submissions from 5 submitters: Benign (2); Likely benign (2). 1 of the submissions does not count toward it. Last evaluated 2026-04-06.

Conditions:
RELA-related disorder. Also called: RELA-related condition.

Allele frequency attached by ClinVar (database versions not stated): gnomAD 0.00366 and 0.00390; TOPMed 0.00376; ESP Exome Variant Server 0.00393; 1000 Genomes Project 0.00419; 1000 Genomes Project 30x 0.00437.
gnomAD v4.1: 1,240 of 1,613,596 alleles (0.077%); highest among the groups gnomAD compares: African/African-American, 1.2%; 6 homozygotes.

Submissions (5):

Women's Health and Genetics/Laboratory Corporation of America, LabCorp
Classification: Benign. Last evaluated: 2026-04-06. Review status: criteria provided, single submitter. Criteria: LabCorp Variant Classification Summary - May 2015. Collection method: clinical testing. Allele origin: germline.

Labcorp Genetics (formerly Invitae), Labcorp
Classification: Benign. Last evaluated: 2026-01-18. Review status: criteria provided, single submitter. Criteria: Invitae Variant Classification Sherloc (09022015). Collection method: clinical testing. Allele origin: germline.

Blueprint Genetics
Classification: Likely benign. Last evaluated: 2024-11-14. Review status: criteria provided, single submitter. Criteria: ACMG Guidelines, 2015. Collection method: clinical testing. Allele origin: germline.

CeGaT Center for Human Genetics Tuebingen
Classification: Likely benign. Last evaluated: 2024-09-01. Review status: criteria provided, single submitter. Criteria: CeGaT Center For Human Genetics Tuebingen Variant Classification Criteria Version 2. Collection method: clinical testing. Allele origin: germline. Affected: yes. Observed: 1 variant allele.
Comment: RELA: BP4, BP7, BS1

PreventionGenetics, part of Exact Sciences
Classification: Benign for RELA-related condition. Last evaluated: 2024-04-18. Review status: no assertion criteria provided. Collection method: clinical testing. Allele origin: germline. Not counted in ClinVar's aggregate classification.
Comment: This variant is classified as benign based on ACMG/AMP sequence variant interpretation guidelines (Richards et al. 2015 PMID: 25741868, with internal and published modifications).